The following is an entry in ClinVar:

NM_014285.7(EXOSC2):c.691C>T (p.Arg231Ter)

Gene: EXOSC2 (exosome component 2; plus strand). Cytogenetic location: 9q34.12.
Variant type: single nucleotide variant.
Coding change: c.691C>T on transcript NM_014285.7 (MANE Select); coding-DNA position 691, C replaced by T.
Protein change: p.Arg231Ter; replaces arginine 231 with a stop codon.
Molecular consequence: nonsense. On other transcripts: non-coding transcript variant (1).
Genome position (GRCh38, 1-based): chr9:130,703,071, C>T. VCF-style: chr9-130703071-C-T. GRCh37 (hg19) VCF-style: chr9-133578458-C-T.
Other names: c.613C>T, p.Arg205Ter (NM_001282708.1); c.601C>T, p.Arg201Ter (NM_001282709.1); short protein forms R231*, R205*, R201*.
Identifiers: ClinVar variation 1496327 (VCV001496327.6), dbSNP rs149299789, ClinGen allele CA5284958.
Genomic context (GRCh38, chr9:130,703,071, plus strand): 5'-TCCTGTTTGTATTTCCCTTCCCCTCTCTGTGTCTCCTTATAGCCTGTCTCTCTTGCTGAT[C>T]GAGAGGTGATATCCCGGCTTCGGAACTGCATCATCTCGCTGGTAACTCAGAGGATGATGC-3'

ClinVar aggregate classification (germline): Conflicting classifications of pathogenicity. Review status: criteria provided, conflicting classifications (1 of 4 stars). 3 submissions from 3 submitters: Likely pathogenic (1); Uncertain significance (2). Last evaluated 2025-09-02.

Conditions:
Retinitis pigmentosa-hearing loss-premature aging-short stature-facial dysmorphism syndrome. Also called: Short stature, hearing loss, retinitis pigmentosa, and distinctive facies. Identifiers: Orphanet 494439, MedGen C4540367, MONDO:0044634, OMIM 617763.

Allele frequency attached by ClinVar (database versions not stated): gnomAD 0.00010; TOPMed 0.00010; gnomAD exomes 0.00004; ESP Exome Variant Server 0.00008; 1000 Genomes Project 30x 0.00031; 1000 Genomes Project 0.00040.
gnomAD v4.1: 160 of 1,613,528 alleles (0.0099%); highest among the groups gnomAD compares: African/African-American, 0.017%; no homozygotes.

Submissions (3):

Labcorp Genetics (formerly Invitae), Labcorp
Classification: Uncertain significance. Last evaluated: 2025-09-02. Review status: criteria provided, single submitter. Criteria: Invitae Variant Classification Sherloc (09022015). Collection method: clinical testing. Allele origin: germline.
Comment: This sequence change creates a premature translational stop signal (p.Arg231*) in the EXOSC2 gene. It is expected to result in an absent or disrupted protein product. However, the current clinical and genetic evidence is not sufficient to establish whether loss-of-function variants in EXOSC2 cause disease. This variant is present in population databases (rs149299789, gnomAD 0.02%). This variant has not been reported in the literature in individuals affected with EXOSC2-related conditions. ClinVar contains an entry for this variant (Variation ID: 1496327). In summary, the available evidence is currently insufficient to determine the role of this variant in disease. Therefore, it has been classified as a Variant of Uncertain Significance.

Variantyx, Inc.
Classification: Likely pathogenic for Retinitis pigmentosa-hearing loss-premature aging-short stature-facial dysmorphism syndrome. Last evaluated: 2025-09-01. Review status: criteria provided, single submitter. Criteria: Variantyx Assertion Criteria 2022. Collection method: clinical testing. Allele origin: germline. Inheritance: Autosomal recessive inheritance. Affected: no.
Comment: This is a nonsense variant in the EXOSC2 gene (OMIM: 602238). Pathogenic variants in this gene have been associated with autosomal recessive short stature, hearing loss, retinitis pigmentosa, and distinctive facies. This variant introduces a premature termination codon in exon 8 out of 9 and is expected to result in loss of function, which is a known disease mechanism for EXOSC2 in this disorder (PMID: 26843489, 31628467) (PVS1). This variant has a 0.0173% maximum allele frequency in non-founder control populations (PM2). Based on the current evidence, this variant is classified as likely pathogenic for autosomal recessive short stature, hearing loss, retinitis pigmentosa, and distinctive facies.

Greenwood Genetic Center Diagnostic Laboratories, Greenwood Genetic Center
Classification: Uncertain significance. Last evaluated: 2025-06-03. Review status: criteria provided, single submitter. Criteria: ACMG Guidelines, 2015. Collection method: clinical testing. Allele origin: germline. Affected: yes.
Comment: PM2

Literature cited by the submitters: PubMed 26843489 (cited by Variantyx, Inc.); PubMed 31628467 (cited by Variantyx, Inc.).